The following is an entry in ClinVar:

ClinVar aggregate classification (germline): Likely benign. Review status: criteria provided, single submitter (1 of 4 stars). 2 submissions from 2 submitters: Likely benign (1). 1 of the submissions does not count toward it. Last evaluated 2024-04-16.

Conditions:
COL18A1-related disorder. Also called: COL18A1-related disorders; COL18A1-related condition.

Allele frequency attached by ClinVar (database versions not stated): gnomAD 0.00001; gnomAD exomes 0.00001 and 0.00002; TOPMed 0.00002.
gnomAD v4.1: 35 of 1,608,796 alleles (0.0022%); highest among the groups gnomAD compares: Non-Finnish European, 0.0027%; no homozygotes.

Submissions (2):

Labcorp Genetics (formerly Invitae), Labcorp
Classification: Likely benign. Last evaluated: 2024-04-16. Review status: criteria provided, single submitter. Criteria: Invitae Variant Classification Sherloc (09022015). Collection method: clinical testing. Allele origin: germline.

PreventionGenetics, part of Exact Sciences
Classification: Likely benign for COL18A1-related condition. Last evaluated: 2023-06-12. Review status: no assertion criteria provided. Collection method: clinical testing. Allele origin: germline. Not counted in ClinVar's aggregate classification.
Comment: This variant is classified as likely benign based on ACMG/AMP sequence variant interpretation guidelines (Richards et al. 2015 PMID: 25741868, with internal and published modifications).

NM_001379500.1(COL18A1):c.2886C>T (p.Ser962=)

Genes: COL18A1 (collagen type XVIII alpha 1 chain; plus strand), SLC19A1 (solute carrier family 19 member 1; minus strand). Cytogenetic location: 21q22.3.
Variant type: single nucleotide variant.
Coding change: c.2886C>T on transcript NM_001379500.1 (MANE Select); coding-DNA position 2886, C replaced by T.
Protein change: p.Ser962=; no amino-acid change (serine 962 retained).
Molecular consequence: synonymous variant.
Genome position (GRCh38, 1-based): chr21:45,505,151, C>T. VCF-style: chr21-45505151-C-T. GRCh37 (hg19) VCF-style: chr21-46925065-C-T.
Other names: c.3417C>T, p.Ser1139= (NM_030582.4); c.4122C>T, p.Ser1374= (NM_130444.3); c.3417C>T (NM_030582.3).
Identifiers: ClinVar variation 1631691 (VCV001631691.10), dbSNP rs1035728200, ClinGen allele CA321921419.